The following is an entry in ClinVar:

NM_001365276.2(TNXB):c.9473_9474delinsTG (p.Thr3158Met)

Gene: TNXB (tenascin XB; minus strand). Cytogenetic location: 6p21.33.
Variant type: Indel.
Coding change: c.9473_9474delinsTG on transcript NM_001365276.2 (MANE Select); coding-DNA positions 9473 to 9474, CT replaced by TG.
Protein change: p.Thr3158Met; replaces threonine 3158 with methionine.
Molecular consequence: missense variant.
Genome position (GRCh38, 1-based): chr6:32,049,553-32,049,554, AG replaced by CA on the plus strand (CT replaced by TG on the coding strand, the reverse complement: TNXB is on the minus strand). VCF-style: chr6-32049553-AG-CA. GRCh37 (hg19) VCF-style: chr6-32017330-AG-CA.
Other names: c.10214_10215delCTinsTG, p.Thr3405Met (NM_001428335.1); c.9467_9468delinsTG, p.Thr3156Met (NM_019105.8); c.9467_9468delinsTG (NM_019105.6); short protein forms T3156M, T3158M, T3405M.
Identifiers: ClinVar variation 3064001 (VCV003064001.2), dbSNP rs2483425921, ClinGen allele CA2740094287.

ClinVar aggregate classification (germline): Uncertain significance. Review status: criteria provided, multiple submitters, no conflicts (2 of 4 stars). 2 submissions from 2 submitters: Uncertain significance (2). Last evaluated 2024-08-06.

Submissions (2):

GeneDx
Classification: Uncertain significance. Last evaluated: 2024-08-06. Review status: criteria provided, single submitter. Criteria: GeneDx Variant Classification Process June 2021. Collection method: clinical testing. Allele origin: germline. Affected: yes.
Comment: Has not been previously published as pathogenic or benign to our knowledge; In silico analysis indicates that this variant does not alter protein structure/function

Women's Health and Genetics/Laboratory Corporation of America, LabCorp
Classification: Uncertain significance. Last evaluated: 2024-01-19. Review status: criteria provided, single submitter. Criteria: LabCorp Variant Classification Summary - May 2015. Collection method: clinical testing. Allele origin: germline.
Comment: Variant summary: TNXB c.9467_9468delinsTG (p.Thr3156Met) results in a non-conservative amino acid change in the encoded protein sequence. Three of four in-silico tools predict a benign effect of the variant on protein function. The variant allele was found at a frequency of 3.7e-05 in 243799 control chromosomes (gnomAD). The available data on variant occurrences in the general population are insufficient to allow any conclusion about variant significance. To our knowledge, no occurrence of c.9467_9468delinsTG in individuals affected with Ehlers-Danlos-like syndrome and no experimental evidence demonstrating its impact on protein function have been reported. No submitters have cited clinical-significance assessments for this variant to ClinVar. Based on the evidence outlined above, the variant was classified as uncertain significance.